The following is an entry in ClinVar:

NM_006035.4(CDC42BPB):c.5126G>A (p.Cys1709Tyr)

Gene: CDC42BPB (CDC42 binding protein kinase beta; minus strand). Cytogenetic location: 14q32.32.
Variant type: single nucleotide variant.
Coding change: c.5126G>A on transcript NM_006035.4 (MANE Select); coding-DNA position 5126, G replaced by A.
Protein change: p.Cys1709Tyr; replaces cysteine 1709 with tyrosine.
Molecular consequence: missense variant.
Genome position (GRCh38, 1-based): chr14:102,933,722, C>T on the plus strand (G>A on the coding strand, the complement: CDC42BPB is on the minus strand). VCF-style: chr14-102933722-C-T. GRCh37 (hg19) VCF-style: chr14-103400059-C-T.
Other names: c.5048G>A, p.Cys1683Tyr (NM_001411054.1); short protein forms C1683Y, C1709Y.
Identifiers: ClinVar variation 3361717 (VCV003361717.1).

ClinVar aggregate classification (germline): Uncertain significance (1 of 4 stars; one submission).

Submission:

GeneDx
Classification: Uncertain significance. Last evaluated: 2023-08-07. Review status: criteria provided, single submitter. Criteria: GeneDx Variant Classification Process June 2021. Collection method: clinical testing. Allele origin: germline. Affected: yes.
Comment: Not observed at significant frequency in large population cohorts (gnomAD); In silico analysis supports that this missense variant does not alter protein structure/function; Has not been previously published as pathogenic or benign to our knowledge